The following is an entry in ClinVar:

ClinVar aggregate classification (germline): Pathogenic/Likely pathogenic. Review status: criteria provided, multiple submitters, no conflicts (2 of 4 stars). 4 submissions from 4 submitters: Pathogenic (3); Likely pathogenic (1). Last evaluated 2026-09-15.

Conditions:
FLG-related disorder. Also called: FLG-related condition; FLG-related disorders.
Ichthyosis vulgaris. Also called: ICHTHYOSIS SIMPLEX; Dominant ichthyosis vulgaris. Identifiers: MedGen C0079584, MONDO:0024304, OMIM 146700.
Dermatitis, atopic, 2. Identifiers: MedGen C1853965, MONDO:0011596, OMIM 605803.

Submissions (4):

GeneDx
Classification: Pathogenic. Last evaluated: 2026-09-15. Review status: criteria provided, single submitter. Criteria: GeneDx Variant Classification Process June 2021. Collection method: clinical testing. Allele origin: germline.
Comment: Frameshift variant predicted to result in abnormal protein length as the last 3876 amino acid(s) are replaced with 3 different amino acid(s), and other similar variants have been reported in HGMD; This variant is associated with the following publications: (PMID: 37200867, 31618753, 16444271, ZhuX2026[casereport])

PreventionGenetics, part of Exact Sciences
Classification: Likely pathogenic for FLG-related condition. Last evaluated: 2025-08-28. Review status: criteria provided, single submitter. Criteria: ACMG Guidelines, 2015. Collection method: clinical testing. Allele origin: germline.
Comment: The FLG c.557dupA variant is predicted to result in a frameshift and premature protein termination (p.Asn186Lysfs*4). This variant was reported along with another variant in FLG in an individual with an FLG-related disorder (Supp. Table 1, Ziats et al. 2020. PubMed ID: 31618753). Frameshift variants in FLG are expected to be pathogenic. This variant is reported in 0.21% of alleles in individuals of Ashkenazi Jewish descent in gnomAD. This variant is interpreted as likely pathogenic.

CeGaT Center for Human Genetics Tuebingen
Classification: Pathogenic. Last evaluated: 2024-08-01. Review status: criteria provided, single submitter. Criteria: CeGaT Center For Human Genetics Tuebingen Variant Classification Criteria Version 2. Collection method: clinical testing. Allele origin: germline. Affected: yes. Observed: 1 variant allele.
Comment: FLG: PVS1, PM2

Revvity Omics, Revvity
Classification: Pathogenic for Ichthyosis vulgaris. Last evaluated: 2024-01-03. Review status: criteria provided, single submitter. Criteria: ACMG Guidelines, 2015. Collection method: clinical testing. Allele origin: germline.

NM_002016.2(FLG):c.557dup (p.Asn186fs)

Genes: CCDST (cervical cancer associated DHX9 suppressive transcript; plus strand), FLG (filaggrin; minus strand). Cytogenetic location: 1q21.3.
Variant type: Duplication.
Coding change: c.557dup on transcript NM_002016.2 (MANE Select); coding-DNA position 557, one base duplicated (A; older notation c.557dupA).
Protein change: p.Asn186fs; shifts the reading frame from asparagine 186.
Molecular consequence: frameshift variant.
Genome position (GRCh38, 1-based): chr1:152,314,329, T duplicated on the plus strand (A on the coding strand, the reverse complement: FLG is on the minus strand); the first of 5 consecutive T bases (chr1:152,314,329-152,314,333); duplicating any one gives the same sequence. VCF-style (leftmost placement, unchanged base first): chr1-152314328-G-GT. GRCh37 (hg19) VCF-style: chr1-152286804-G-GT.
Other names: c.557dupA (NM_002016.1); short protein forms N186fs.
Identifiers: ClinVar variation 419550 (VCV000419550.28), dbSNP rs771721862, ClinGen allele CA1107970.